The following is an entry in ClinVar:

NM_001365276.2(TNXB):c.7417C>T (p.Arg2473Cys)

Gene: TNXB (tenascin XB; minus strand). Cytogenetic location: 6p21.33.
Variant type: single nucleotide variant.
Coding change: c.7417C>T on transcript NM_001365276.2 (MANE Select); coding-DNA position 7417, C replaced by T.
Protein change: p.Arg2473Cys; replaces arginine 2473 with cysteine.
Molecular consequence: missense variant.
Genome position (GRCh38, 1-based): chr6:32,061,472, G>A on the plus strand (C>T on the coding strand, the complement: TNXB is on the minus strand). VCF-style: chr6-32061472-G-A. GRCh37 (hg19) VCF-style: chr6-32029249-G-A.
Other names: p.Arg2473Cys; c.7417C>T, p.Arg2473Cys (NM_019105.8); short protein forms R2473C.
Identifiers: ClinVar variation 430489 (VCV000430489.9), dbSNP rs373029180, ClinGen allele CA3734162.
Genomic context (GRCh38, chr6:32,061,472, plus strand): 5'-TGGACACCGGGCCCACGCGCCGCCCCTCGTGGAGGCCATACAGGTGCATCTTGTATTTGC[G>A]CCCAGGCTCCAGGCCCCCCACGGTGACCTCGCTCTCCTCGCCCCCAACACGCACCACCTG-3'
Protein context (NP_001352205.1, residues 2463-2483): EVTVGGLEPG[Arg2473Cys]KYKMHLYGLH

ClinVar aggregate classification (germline): Benign/Likely benign. Review status: criteria provided, multiple submitters, no conflicts (2 of 4 stars). 6 submissions from 6 submitters: Benign (4); Likely benign (2). Last evaluated 2026-03-30.

Conditions:
Vesicoureteral reflux 8 (VUR8). Identifiers: Orphanet 289365, MedGen C4014831, MONDO:0014422, OMIM 615963.
Ehlers-Danlos syndrome due to tenascin-X deficiency (EDSCLL1). Also called: TNX DEFICIENCY; EHLERS-DANLOS SYNDROME, CLASSIC-LIKE; Ehlers-Danlos syndrome, classic-like, 1; EDS DUE TO TNX DEFICIENCY; TNXB-Related Classical-Like Ehlers-Danlos Syndrome. Identifiers: Orphanet 230839, MedGen C1848029, MONDO:0011670, OMIM 606408.
Cardiovascular phenotype. Identifiers: MedGen CN230736.

Allele frequency attached by ClinVar (database versions not stated): gnomAD 0.00014 and 0.00071; 1000 Genomes Project 30x 0.00437; TOPMed 0.00030; gnomAD exomes 0.00130 and 0.00194; ExAC 0.00307; 1000 Genomes Project 0.00379.
gnomAD v4.1: 2,015 of 1,613,422 alleles (0.12%); highest among the groups gnomAD compares: South Asian, 2%; 41 homozygotes.

Submissions (6):

Women's Health and Genetics/Laboratory Corporation of America, LabCorp
Classification: Likely benign. Last evaluated: 2026-03-30. Review status: criteria provided, single submitter. Criteria: LabCorp Variant Classification Summary - May 2015. Collection method: clinical testing. Allele origin: germline.

Labcorp Genetics (formerly Invitae), Labcorp
Classification: Benign. Last evaluated: 2026-01-28. Review status: criteria provided, single submitter. Criteria: Invitae Variant Classification Sherloc (09022015). Collection method: clinical testing. Allele origin: germline.

Mayo Clinic Laboratories, Mayo Clinic
Classification: Benign. Last evaluated: 2025-05-22. Review status: criteria provided, single submitter. Criteria: ACMG Guidelines, 2015. Collection method: clinical testing. Allele origin: germline. Observed: 1 variant allele.
Comment: BS1, BS2

Fulgent Genetics
Classification: Likely benign for Ehlers-Danlos syndrome due to tenascin-X deficiency; Vesicoureteral reflux 8. Last evaluated: 2021-07-19. Review status: criteria provided, single submitter. Criteria: ACMG Guidelines, 2015. Collection method: clinical testing. Allele origin: unknown.

GeneDx
Classification: Benign. Last evaluated: 2019-09-25. Review status: criteria provided, single submitter. Criteria: GeneDx Variant Classification Process June 2021. Collection method: clinical testing. Allele origin: germline. Affected: yes.

Ambry Genetics
Classification: Benign for Cardiovascular phenotype. Last evaluated: 2019-06-27. Review status: criteria provided, single submitter. Criteria: Ambry Variant Classification Scheme 2023. Collection method: clinical testing. Allele origin: germline.